The following is an entry in ClinVar:

NM_002693.3(POLG):c.2633T>C (p.Val878Ala)

Gene: POLG (DNA polymerase gamma, catalytic subunit; minus strand). Cytogenetic location: 15q26.1.
Variant type: single nucleotide variant.
Coding change: c.2633T>C on transcript NM_002693.3 (MANE Select); coding-DNA position 2633, T replaced by C.
Protein change: p.Val878Ala; replaces valine 878 with alanine.
Molecular consequence: missense variant.
Genome position (GRCh38, 1-based): chr15:89,321,226, A>G on the plus strand (T>C on the coding strand, the complement: POLG is on the minus strand). VCF-style: chr15-89321226-A-G. GRCh37 (hg19) VCF-style: chr15-89864457-A-G.
Other names: c.2633T>C, p.Val878Ala (NM_001126131.2); short protein forms V878A.
Identifiers: ClinVar variation 2684309 (VCV002684309.1), dbSNP rs2509219218, ClinGen allele CA393753853.
Genomic context (GRCh38, chr15:89,321,226, plus strand): 5'-ATCCACAGCTCTTGGGAGTCCACATCAGCACCCACAAGGGTGTAGCCAGGTGGGGCCTGC[A>G]CCATGGCTTTCAACTCACTGCCTACTCGGTCAGGCTGTGGGAAGAGTGAGATACCCAAAT-3'
Protein context (NP_002684.1, residues 868-888): DRVGSELKAM[Val878Ala]QAPPGYTLVG

ClinVar aggregate classification (germline): Uncertain significance (1 of 4 stars; one submission).

Submission:

Athena Diagnostics
Classification: Uncertain significance. Last evaluated: 2023-06-04. Review status: criteria provided, single submitter. Criteria: Athena Diagnostics Criteria. Collection method: clinical testing. Allele origin: unknown.
Comment: Available data are insufficient to determine the clinical significance of the variant at this time. This variant has not been reported in large, multi-ethnic general populations. Computational tools predict that this variant is damaging.